The following is an entry in ClinVar:

ClinVar aggregate classification (germline): Uncertain significance (1 of 4 stars; one submission).

gnomAD v4.1: 5 of 1,614,118 alleles (0.00031%); highest among the groups gnomAD compares: East Asian, 0.0022%; no homozygotes.

Submission:

Labcorp Genetics (formerly Invitae), Labcorp
Classification: Uncertain significance. Last evaluated: 2025-08-07. Review status: criteria provided, single submitter. Criteria: Invitae Variant Classification Sherloc (09022015). Collection method: clinical testing. Allele origin: germline.
Comment: This sequence change replaces aspartic acid, which is acidic and polar, with asparagine, which is neutral and polar, at codon 3303 of the USH2A protein (p.Asp3303Asn). This variant is present in population databases (no rsID available, gnomAD 0.003%). This variant has not been reported in the literature in individuals affected with USH2A-related conditions. ClinVar contains an entry for this variant (Variation ID: 2188396). Invitae Evidence Modeling of protein sequence and biophysical properties (such as structural, functional, and spatial information, amino acid conservation, physicochemical variation, residue mobility, and thermodynamic stability) indicates that this missense variant is not expected to disrupt USH2A protein function with a negative predictive value of 95%. In summary, the available evidence is currently insufficient to determine the role of this variant in disease. Therefore, it has been classified as a Variant of Uncertain Significance.

NM_206933.4(USH2A):c.9907G>A (p.Asp3303Asn)

Gene: USH2A (usherin; minus strand). Cytogenetic location: 1q41.
Variant type: single nucleotide variant.
Coding change: c.9907G>A on transcript NM_206933.4 (MANE Select); coding-DNA position 9907, G replaced by A.
Protein change: p.Asp3303Asn; replaces aspartic acid 3303 with asparagine.
Molecular consequence: missense variant.
Genome position (GRCh38, 1-based): chr1:215,798,958, C>T on the plus strand (G>A on the coding strand, the complement: USH2A is on the minus strand). VCF-style: chr1-215798958-C-T. GRCh37 (hg19) VCF-style: chr1-215972300-C-T.
Other names: short protein forms D3303N.
Identifiers: ClinVar variation 2188396 (VCV002188396.3), dbSNP rs1367867781, ClinGen allele CA344848605.
Genomic context (GRCh38, chr1:215,798,958, plus strand): 5'-GCCCCTTACCTGGAAGGCGATTGTACACCACTCCTTCTTCTCCACCACAACACTCTAAAT[C>T]GTTGCTCACAATCTGTCTGCCACAGCACTTCTGGCCATGGCCATCATGAAGCCTCCCAGC-3'
Protein context (NP_996816.3, residues 3293-3313): KCCGRQIVSN[Asp3303Asn]LECCGGEEGV